The following is an entry in ClinVar:

ClinVar aggregate classification (germline): Pathogenic (1 of 4 stars; one submission).

Conditions:
Autosomal recessive severe congenital neutropenia due to G6PC3 deficiency. Also called: NEUTROPENIA, SEVERE CONGENITAL, 4, AUTOSOMAL RECESSIVE; G6PC3 Deficiency. Identifiers: Orphanet 331176, MedGen C2751630, MONDO:0012930, OMIM 612541.

Submission:

Labcorp Genetics (formerly Invitae), Labcorp
Classification: Pathogenic for Autosomal recessive severe congenital neutropenia due to G6PC3 deficiency. Last evaluated: 2024-01-08. Review status: criteria provided, single submitter. Criteria: Invitae Variant Classification Sherloc (09022015). Collection method: clinical testing. Allele origin: germline.
Comment: This sequence change creates a premature translational stop signal (p.Lys72Serfs*45) in the G6PC3 gene. It is expected to result in an absent or disrupted protein product. Loss-of-function variants in G6PC3 are known to be pathogenic (PMID: 19118303, 25491320). This variant is not present in population databases (gnomAD no frequency). This premature translational stop signal has been observed in individual(s) with neutropenia (PMID: 35525891). Algorithms developed to predict the effect of sequence changes on RNA splicing suggest that this variant may disrupt the consensus splice site. For these reasons, this variant has been classified as Pathogenic.

Literature cited by the submitters: PubMed 19118303; PubMed 25491320; PubMed 35525891.

NM_138387.4(G6PC3):c.215del (p.Lys72fs)

Genes: G6PC3 (glucose-6-phosphatase catalytic subunit 3; plus strand), LOC130060959 (ATAC-STARR-seq lymphoblastoid active region 12250; plus strand). Cytogenetic location: 17q21.31.
Variant type: Deletion.
Coding change: c.215del on transcript NM_138387.4 (MANE Select); coding-DNA position 215, one base deleted (A; older notation c.215delA).
Protein change: p.Lys72fs; shifts the reading frame from lysine 72.
Molecular consequence: frameshift variant. On other transcripts: 5 prime UTR variant (3), intron variant (1).
Genome position (GRCh38, 1-based): chr17:44,071,180, A deleted; the last of 2 consecutive A bases (chr17:44,071,179-44,071,180); deleting either gives the same sequence. VCF-style (leftmost placement, unchanged base first): chr17-44071178-CA-C. GRCh37 (hg19) VCF-style: chr17-42148546-CA-C.
Other names: c.215del, p.Lys72fs (NM_001319945.2); c.-190del (NM_001384165.1); c.-325del (NM_001384166.1); c.-315del (NM_001384167.1); c.-311-448del (NM_001384168.1); short protein forms K72fs.
Identifiers: ClinVar variation 2697685 (VCV002697685.3), dbSNP rs1177939839, ClinGen allele CA772251428.